The following is an entry in ClinVar:

NM_145117.5(NAV2):c.4541A>G (p.His1514Arg)

Gene: NAV2 (neuron navigator 2; plus strand). Cytogenetic location: 11p15.1.
Variant type: single nucleotide variant.
Coding change: c.4541A>G on transcript NM_145117.5 (MANE Select); coding-DNA position 4541, A replaced by G.
Protein change: p.His1514Arg; replaces histidine 1514 with arginine.
Molecular consequence: missense variant.
Genome position (GRCh38, 1-based): chr11:20,054,139, A>G. VCF-style: chr11-20054139-A-G. GRCh37 (hg19) VCF-style: chr11-20075685-A-G.
Other names: c.4349A>G, p.His1450Arg (NM_001111018.2); c.1733A>G, p.His578Arg (NM_001111019.3); c.4610A>G, p.His1537Arg (NM_001244963.2); c.4541A>G, p.His1514Arg (NM_182964.6); short protein forms H578R, H1537R, H1514R, H1450R.
Identifiers: ClinVar variation 4982103 (VCV004982103.1).
Genomic context (GRCh38, chr11:20,054,139, plus strand): 5'-GGTATACTCCCACCTCCCAGCTTCGCACGCAAGAAGATGCAAAAGAATGGTTACGGTCCC[A>G]TTCTGCAGGAGGCCTTCAGGACACCGCTGCCAATTCCCCCTTTTCCTCTGGCTCCAGCGT-3'
Protein context (NP_660093.2, residues 1504-1524): QEDAKEWLRS[His1514Arg]SAGGLQDTAA

ClinVar aggregate classification (germline): Uncertain significance (1 of 4 stars; one submission).

Conditions:
NAV2-related disorder. Also called: NAV2-related condition.

gnomAD v4.1: 1 of 1,613,814 alleles (0.000062%); highest among the groups gnomAD compares: Non-Finnish European, 0.000085%; no homozygotes.

Submission:

PreventionGenetics, part of Exact Sciences
Classification: Uncertain significance for NAV2-related condition. Last evaluated: 2025-02-08. Review status: criteria provided, single submitter. Criteria: ACMG Guidelines, 2015. Collection method: clinical testing. Allele origin: germline.
Comment: The NAV2 c.4610A>G variant is predicted to result in the amino acid substitution p.His1537Arg. To our knowledge, this variant has not been reported in the literature or in a large population database (gnomAD), indicating this variant is rare. At this time, the clinical significance of this variant is uncertain due to the absence of conclusive functional and genetic evidence.